The following is an entry in ClinVar:

NM_017635.5(KMT5B):c.1616G>A (p.Arg539Gln)

Gene: KMT5B (lysine methyltransferase 5B; minus strand). Cytogenetic location: 11q13.2.
Variant type: single nucleotide variant.
Coding change: c.1616G>A on transcript NM_017635.5 (MANE Select); coding-DNA position 1616, G replaced by A.
Protein change: p.Arg539Gln; replaces arginine 539 with glutamine.
Molecular consequence: missense variant.
Genome position (GRCh38, 1-based): chr11:68,158,730, C>T on the plus strand (G>A on the coding strand, the complement: KMT5B is on the minus strand). VCF-style: chr11-68158730-C-T. GRCh37 (hg19) VCF-style: chr11-67926197-C-T.
Other names: c.1100G>A, p.Arg367Gln (NM_001300907.1, NM_001369428.1, NM_001369429.1 and 4 more transcripts); c.896G>A, p.Arg299Gln (NM_001300908.2); c.1616G>A, p.Arg539Gln (NM_001369426.1); short protein forms R299Q, R367Q, R539Q.
Identifiers: ClinVar variation 1033434 (VCV001033434.1), dbSNP rs367596003, ClinGen allele CA6148151.
Genomic context (GRCh38, chr11:68,158,730, plus strand): 5'-TTTGGTTCAAGCTTGATGTCAGAGGCCTCCTTCAGATTTGTTCTTGTCCTCACTGACCGC[C>T]GAGTTATGTAGGTGCAGGGCGAGCTCTCCCCCTGCGAATGAGCACCTCTCACAGGATTCT-3'
Protein context (NP_060105.3, residues 529-549): GESSPCTYIT[Arg539Gln]RSVRTRTNLK

ClinVar aggregate classification (germline): Uncertain significance (1 of 4 stars; one submission).

Conditions:
Intellectual developmental disorder, autosomal dominant 51. Also called: Intellectual disability, autosomal dominant 51; MENTAL RETARDATION, AUTOSOMAL DOMINANT 51. Identifiers: Orphanet 684226, MedGen C4540474, MONDO:0030917, OMIM 617788.

Allele frequency attached by ClinVar (database versions not stated): gnomAD 0.00001; gnomAD exomes 0.00001 and 0.00005; ExAC 0.00008; ESP Exome Variant Server 0.00008; TOPMed 0.00009.
gnomAD v4.1: 26 of 1,613,940 alleles (0.0016%); highest among the groups gnomAD compares: Admixed American, 0.02%; no homozygotes.

Submission:

Baylor Genetics
Classification: Uncertain significance for Intellectual developmental disorder, autosomal dominant 51. Last evaluated: 2018-12-10. Review status: criteria provided, single submitter. Criteria: ACMG Guidelines, 2015. Collection method: clinical testing. Allele origin: maternal. Affected: yes.
Comment: This variant was determined to be of uncertain significance according to ACMG Guidelines, 2015 [PMID:25741868].